The following is an entry in ClinVar:

ClinVar aggregate classification (germline): Uncertain significance. Review status: criteria provided, multiple submitters, no conflicts (2 of 4 stars). 3 submissions from 3 submitters: Uncertain significance (3). Last evaluated 2024-11-11.

Allele frequency attached by ClinVar (database versions not stated): gnomAD exomes 0.00003 and 0.00004; ExAC 0.00006; TOPMed 0.00010.
gnomAD v4.1: 56 of 1,612,852 alleles (0.0035%); highest among the groups gnomAD compares: African/African-American, 0.015%; no homozygotes.

Submissions (3):

Labcorp Genetics (formerly Invitae), Labcorp
Classification: Uncertain significance. Last evaluated: 2024-11-11. Review status: criteria provided, single submitter. Criteria: Invitae Variant Classification Sherloc (09022015). Collection method: clinical testing. Allele origin: germline.
Comment: This sequence change replaces threonine, which is neutral and polar, with methionine, which is neutral and non-polar, at codon 749 of the WHRN protein (p.Thr749Met). This variant is present in population databases (rs767100303, gnomAD 0.01%). This variant has not been reported in the literature in individuals affected with WHRN-related conditions. ClinVar contains an entry for this variant (Variation ID: 836406). An algorithm developed to predict the effect of missense changes on protein structure and function (PolyPhen-2) suggests that this variant is likely to be disruptive. In summary, the available evidence is currently insufficient to determine the role of this variant in disease. Therefore, it has been classified as a Variant of Uncertain Significance.

Blueprint Genetics
Classification: Uncertain significance. Last evaluated: 2022-09-09. Review status: criteria provided, single submitter. Criteria: ACMG Guidelines, 2015. Collection method: clinical testing. Allele origin: germline.

GeneDx
Classification: Uncertain significance. Last evaluated: 2021-12-10. Review status: criteria provided, single submitter. Criteria: GeneDx Variant Classification Process June 2021. Collection method: clinical testing. Allele origin: germline. Affected: yes.
Comment: In silico analysis supports that this missense variant does not alter protein structure/function; Has not been previously published as pathogenic or benign to our knowledge

NM_015404.4(WHRN):c.2246C>T (p.Thr749Met)

Gene: WHRN (whirlin; minus strand). Cytogenetic location: 9q32.
Variant type: single nucleotide variant.
Coding change: c.2246C>T on transcript NM_015404.4 (MANE Select); coding-DNA position 2246, C replaced by T.
Protein change: p.Thr749Met; replaces threonine 749 with methionine.
Molecular consequence: missense variant.
Genome position (GRCh38, 1-based): chr9:114,404,068, G>A on the plus strand (C>T on the coding strand, the complement: WHRN is on the minus strand). VCF-style: chr9-114404068-G-A. GRCh37 (hg19) VCF-style: chr9-117166348-G-A.
Other names: c.1097C>T, p.Thr366Met (NM_001083885.3); c.2243C>T, p.Thr748Met (NM_001173425.2); c.1193C>T, p.Thr398Met (NM_001346890.1); short protein forms T398M, T366M, T748M, T749M.
Identifiers: ClinVar variation 836406 (VCV000836406.11), dbSNP rs767100303, ClinGen allele CA5205689.
Genomic context (GRCh38, chr9:114,404,068, plus strand): 5'-CCAGCATCCACACCACTGTCCTCGCTTAGAGTCTGCCCGCTGTCCGAGAGCTGGGAGAGC[G>A]TAGAGGCTGCTGGAGAGGGGAAAAGGAAGAGAGAAGCAGCTTATATAGCTGGGGTCAGGG-3'
Protein context (NP_056219.3, residues 739-759): RALPQTRTAS[Thr749Met]LSQLSDSGQT